The following is an entry in ClinVar:

NM_001258392.3(CLPB):c.373C>G (p.His125Asp)

Gene: CLPB (ClpB family mitochondrial disaggregase; minus strand). Cytogenetic location: 11q13.4.
Variant type: single nucleotide variant.
Coding change: c.373C>G on transcript NM_001258392.3 (MANE Select); coding-DNA position 373, C replaced by G.
Protein change: p.His125Asp; replaces histidine 125 with aspartic acid.
Molecular consequence: missense variant. On other transcripts: nonsense (1).
Genome position (GRCh38, 1-based): chr11:72,434,102, G>C on the plus strand (C>G on the coding strand, the complement: CLPB is on the minus strand). VCF-style: chr11-72434102-G-C. GRCh37 (hg19) VCF-style: chr11-72145146-G-C.
Other names: c.373C>G, p.His125Asp (NM_001258393.3, NM_030813.6); c.131C>G, p.Ser44Ter (NM_001258394.3); short protein forms H125D, S44*.
Identifiers: ClinVar variation 2733741 (VCV002733741.3), dbSNP rs1298914031, ClinGen allele CA381962829.

ClinVar aggregate classification (germline): Uncertain significance (1 of 4 stars; one submission).

Conditions:
3-methylglutaconic aciduria, type VIIB (MGCA7B). Also called: CLPB Deficiency; 3-methylglutaconic aciduria, type VII, with cataracts, neurologic involvement and neutropenia; 3-methylglutaconic aciduria with cataracts, neurologic involvement and neutropenia. Identifiers: Orphanet 445038, MedGen C5676893, MONDO:0014561, OMIM 616271.

Allele frequency attached by ClinVar (database versions not stated): gnomAD exomes below 0.00001.
gnomAD v4.1: 1 of 1,611,622 alleles (0.000062%); highest among the groups gnomAD compares: Admixed American, 0.0017%; no homozygotes.

Submission:

Labcorp Genetics (formerly Invitae), Labcorp
Classification: Uncertain significance for 3-methylglutaconic aciduria, type VIIB. Last evaluated: 2023-03-17. Review status: criteria provided, single submitter. Criteria: Invitae Variant Classification Sherloc (09022015). Collection method: clinical testing. Allele origin: germline.
Comment: This sequence change replaces histidine, which is basic and polar, with aspartic acid, which is acidic and polar, at codon 125 of the CLPB protein (p.His125Asp). This variant is present in population databases (no rsID available, gnomAD 0.003%). This variant has not been reported in the literature in individuals affected with CLPB-related conditions. An algorithm developed to predict the effect of missense changes on protein structure and function (PolyPhen-2) suggests that this variant is likely to be tolerated. In summary, the available evidence is currently insufficient to determine the role of this variant in disease. Therefore, it has been classified as a Variant of Uncertain Significance.